The following is an entry in ClinVar:

NM_001297.5(CNGB1):c.209G>A (p.Ser70Asn)

Gene: CNGB1 (cyclic nucleotide gated channel subunit beta 1; minus strand). Cytogenetic location: 16q21.
Variant type: single nucleotide variant.
Coding change: c.209G>A on transcript NM_001297.5 (MANE Select); coding-DNA position 209, G replaced by A.
Protein change: p.Ser70Asn; replaces serine 70 with asparagine.
Molecular consequence: missense variant.
Genome position (GRCh38, 1-based): chr16:57,964,495, C>T on the plus strand (G>A on the coding strand, the complement: CNGB1 is on the minus strand). VCF-style: chr16-57964495-C-T. GRCh37 (hg19) VCF-style: chr16-57998399-C-T.
Other names: c.209G>A, p.Ser70Asn (NM_001135639.2, NM_001286130.2); short protein forms S70N.
Identifiers: ClinVar variation 955408 (VCV000955408.7), dbSNP rs201990326, ClinGen allele CA8083961.

ClinVar aggregate classification (germline): Conflicting classifications of pathogenicity. Review status: criteria provided, conflicting classifications (1 of 4 stars). 3 submissions from 3 submitters: Uncertain significance (2); Likely benign (1). Last evaluated 2025-09-02.

Conditions:
Inborn genetic diseases. Identifiers: MedGen C0950123, MeSH D030342.

Allele frequency attached by ClinVar (database versions not stated): gnomAD exomes 0.00004 and 0.00013; ExAC 0.00005; TOPMed 0.00006; gnomAD 0.00007 and 0.00008; ESP Exome Variant Server 0.00024.

Submissions (3):

Labcorp Genetics (formerly Invitae), Labcorp
Classification: Uncertain significance. Last evaluated: 2025-09-02. Review status: criteria provided, single submitter. Criteria: Invitae Variant Classification Sherloc (09022015). Collection method: clinical testing. Allele origin: germline.
Comment: This sequence change replaces serine, which is neutral and polar, with asparagine, which is neutral and polar, at codon 70 of the CNGB1 protein (p.Ser70Asn). This variant is present in population databases (rs201990326, gnomAD 0.01%). This variant has not been reported in the literature in individuals affected with CNGB1-related conditions. ClinVar contains an entry for this variant (Variation ID: 955408). Invitae Evidence Modeling of protein sequence and biophysical properties (such as structural, functional, and spatial information, amino acid conservation, physicochemical variation, residue mobility, and thermodynamic stability) indicates that this missense variant is not expected to disrupt CNGB1 protein function with a negative predictive value of 95%. In summary, the available evidence is currently insufficient to determine the role of this variant in disease. Therefore, it has been classified as a Variant of Uncertain Significance.

Blueprint Genetics
Classification: Uncertain significance. Last evaluated: 2024-10-11. Review status: criteria provided, single submitter. Criteria: ACMG Guidelines, 2015. Collection method: clinical testing. Allele origin: germline.

Ambry Genetics
Classification: Likely benign for Inborn genetic diseases. Last evaluated: 2022-01-18. Review status: criteria provided, single submitter. Criteria: Ambry Variant Classification Scheme 2023. Collection method: clinical testing. Allele origin: germline.